The following is an entry in ClinVar:

NM_004055.5(CAPN5):c.841C>T (p.Arg281Cys)

Gene: CAPN5 (calpain 5; plus strand). Cytogenetic location: 11q13.5.
Variant type: single nucleotide variant.
Coding change: c.841C>T on transcript NM_004055.5 (MANE Select); coding-DNA position 841, C replaced by T.
Protein change: p.Arg281Cys; replaces arginine 281 with cysteine.
Molecular consequence: missense variant.
Genome position (GRCh38, 1-based): chr11:77,115,536, C>T. VCF-style: chr11-77115536-C-T. GRCh37 (hg19) VCF-style: chr11-76826582-C-T.
Other names: short protein forms R281C.
Identifiers: ClinVar variation 1523299 (VCV001523299.6), dbSNP rs782494182, ClinGen allele CA6196570.

ClinVar aggregate classification (germline): Uncertain significance (1 of 4 stars; one submission).

Allele frequency attached by ClinVar (database versions not stated): gnomAD exomes 0.00001; ExAC 0.00001; TOPMed 0.00001.
gnomAD v4.1: 19 of 1,613,124 alleles (0.0012%); highest among the groups gnomAD compares: Middle Eastern, 0.018%; no homozygotes.

Submission:

Labcorp Genetics (formerly Invitae), Labcorp
Classification: Uncertain significance. Last evaluated: 2025-03-17. Review status: criteria provided, single submitter. Criteria: Invitae Variant Classification Sherloc (09022015). Collection method: clinical testing. Allele origin: germline.
Comment: This sequence change replaces arginine, which is basic and polar, with cysteine, which is neutral and slightly polar, at codon 281 of the CAPN5 protein (p.Arg281Cys). This variant is present in population databases (rs782494182, gnomAD 0.003%). This variant has not been reported in the literature in individuals affected with CAPN5-related conditions. ClinVar contains an entry for this variant (Variation ID: 1523299). Invitae Evidence Modeling of protein sequence and biophysical properties (such as structural, functional, and spatial information, amino acid conservation, physicochemical variation, residue mobility, and thermodynamic stability) has been performed for this missense variant. However, the output from this modeling did not meet the statistical confidence thresholds required to predict the impact of this variant on CAPN5 protein function. In summary, the available evidence is currently insufficient to determine the role of this variant in disease. Therefore, it has been classified as a Variant of Uncertain Significance.